The following is an entry in ClinVar:

ClinVar aggregate classification (germline): Uncertain significance. Review status: criteria provided, multiple submitters, no conflicts (2 of 4 stars). 4 submissions from 4 submitters: Uncertain significance (4). Last evaluated 2025-07-23.

Conditions:
Inborn genetic diseases. Identifiers: MedGen C0950123, MeSH D030342.
Epidermolysis bullosa simplex 5C, with pyloric atresia (EBS5C). Also called: Epidermolysis bullosa simplex with pyloric atresia; PLEC-Related Epidermolysis Bullosa with Pyloric Atresia; PLEC1-Related Epidermolysis Bullosa with Pyloric Atresia. Identifiers: Orphanet 158684, MedGen C2677349, MONDO:0012807, OMIM 612138.
Autosomal recessive limb-girdle muscular dystrophy type 2Q (LGMDR17). Also called: MUSCULAR DYSTROPHY, LIMB-GIRDLE, AUTOSOMAL RECESSIVE 17. Identifiers: Orphanet 254361, MedGen C3150989, MONDO:0013390, OMIM 613723.
Epidermolysis bullosa simplex, Ogna type (EBS5A). Also called: Pidermolysis bullosa simplex 5A, Ogna type; EPIDERMOLYSIS BULLOSA SIMPLEX 5A, OGNA TYPE. Identifiers: Orphanet 79401, MedGen C0432317, MONDO:0007555, OMIM 131950.
Epidermolysis bullosa simplex 5B, with muscular dystrophy (EBS5B). Also called: Epidermolysis bullosa simplex with muscular dystrophy; EPIDERMOLYSIS BULLOSA SIMPLEX AND LIMB-GIRDLE MUSCULAR DYSTROPHY. Identifiers: Orphanet 257, MedGen C2931072, MONDO:0009181, OMIM 226670.
Epidermolysis bullosa simplex with nail dystrophy (EBS5D). Identifiers: MedGen C4225309, MONDO:0014661, OMIM 616487.

Allele frequency attached by ClinVar (database versions not stated): ExAC 0.00002; gnomAD 0.00002; gnomAD exomes 0.00002; TOPMed 0.00005.
gnomAD v4.1: 31 of 1,613,688 alleles (0.0019%); highest among the groups gnomAD compares: African/African-American, 0.0027%; no homozygotes.

Submissions (4):

Labcorp Genetics (formerly Invitae), Labcorp
Classification: Uncertain significance for Autosomal recessive limb-girdle muscular dystrophy type 2Q; Epidermolysis bullosa simplex, Ogna type; Epidermolysis bullosa simplex with nail dystrophy; Epidermolysis bullosa simplex 5C, with pyloric atresia; Epidermolysis bullosa simplex 5B, with muscular dystrophy. Last evaluated: 2025-07-23. Review status: criteria provided, single submitter. Criteria: Invitae Variant Classification Sherloc (09022015). Collection method: clinical testing. Allele origin: germline.
Comment: This sequence change replaces aspartic acid, which is acidic and polar, with asparagine, which is neutral and polar, at codon 4100 of the PLEC protein (p.Asp4100Asn). This variant is present in population databases (rs781880129, gnomAD 0.002%). This variant has not been reported in the literature in individuals affected with PLEC-related conditions. ClinVar contains an entry for this variant (Variation ID: 283740). Invitae Evidence Modeling of protein sequence and biophysical properties (such as structural, functional, and spatial information, amino acid conservation, physicochemical variation, residue mobility, and thermodynamic stability) indicates that this missense variant is not expected to disrupt PLEC protein function with a negative predictive value of 80%. In summary, the available evidence is currently insufficient to determine the role of this variant in disease. Therefore, it has been classified as a Variant of Uncertain Significance.

Ambry Genetics
Classification: Uncertain significance for Inborn genetic diseases. Last evaluated: 2024-08-07. Review status: criteria provided, single submitter. Criteria: Ambry Variant Classification Scheme 2023. Collection method: clinical testing. Allele origin: germline.

Revvity Omics, Revvity
Classification: Uncertain significance. Last evaluated: 2023-08-17. Review status: criteria provided, single submitter. Criteria: ACMG Guidelines, 2015. Collection method: clinical testing. Allele origin: germline.

Eurofins Ntd Llc (ga)
Classification: Uncertain significance. Last evaluated: 2015-10-12. Review status: criteria provided, single submitter. Criteria: EGL Classification Definitions 2015. Collection method: clinical testing. Allele origin: germline. Observed: 1 variant allele, 1 heterozygote.

NM_201384.3(PLEC):c.12217G>A (p.Asp4073Asn)

Gene: PLEC (plectin; minus strand). Cytogenetic location: 8q24.3.
Variant type: single nucleotide variant.
Coding change: c.12217G>A on transcript NM_201384.3 (MANE Select); coding-DNA position 12217, G replaced by A.
Protein change: p.Asp4073Asn; replaces aspartic acid 4073 with asparagine.
Molecular consequence: missense variant.
Genome position (GRCh38, 1-based): chr8:143,917,604, C>T on the plus strand (G>A on the coding strand, the complement: PLEC is on the minus strand). VCF-style: chr8-143917604-C-T. GRCh37 (hg19) VCF-style: chr8-144991772-C-T.
Other names: c.12298G>A (NM_000445.3); c.12298G>A, p.Asp4100Asn (NM_000445.5); c.12175G>A, p.Asp4059Asn (NM_201378.4); c.12151G>A, p.Asp4051Asn (NM_201379.3); c.12628G>A, p.Asp4210Asn (NM_201380.4); c.12121G>A, p.Asp4041Asn (NM_201381.3); c.12217G>A, p.Asp4073Asn (NM_201382.4); c.12229G>A, p.Asp4077Asn (NM_201383.3); short protein forms D4041N, D4051N, D4077N, D4210N, D4100N, D4059N, D4073N.
Identifiers: ClinVar variation 283740 (VCV000283740.16), dbSNP rs781880129, ClinGen allele CA4924148.